The following is an entry in ClinVar:

NM_001220.5(CAMK2B):c.744C>T (p.Leu248=)

Gene: CAMK2B (calcium/calmodulin dependent protein kinase II beta; minus strand). Cytogenetic location: 7p13.
Variant type: single nucleotide variant.
Coding change: c.744C>T on transcript NM_001220.5 (MANE Select); coding-DNA position 744, C replaced by T.
Protein change: p.Leu248=; no amino-acid change (leucine 248 retained).
Molecular consequence: synonymous variant.
Genome position (GRCh38, 1-based): chr7:44,242,293, G>A on the plus strand (C>T on the coding strand, the complement: CAMK2B is on the minus strand). VCF-style: chr7-44242293-G-A. GRCh37 (hg19) VCF-style: chr7-44281892-G-A.
Other names: c.744C>T, p.Leu248= (NM_001293170.2, NM_172078.3, NM_172079.3 and 5 more transcripts).
Identifiers: ClinVar variation 2011914 (VCV002011914.4), dbSNP rs1584087247, ClinGen allele CA454863356.

ClinVar aggregate classification (germline): Uncertain significance (1 of 4 stars; one submission).

Submission:

Labcorp Genetics (formerly Invitae), Labcorp
Classification: Uncertain significance. Last evaluated: 2022-09-13. Review status: criteria provided, single submitter. Criteria: Invitae Variant Classification Sherloc (09022015). Collection method: clinical testing. Allele origin: germline.
Comment: This sequence change affects codon 248 of the CAMK2B mRNA. It is a 'silent' change, meaning that it does not change the encoded amino acid sequence of the CAMK2B protein. This variant is not present in population databases (gnomAD no frequency). This variant has not been reported in the literature in individuals affected with CAMK2B-related conditions. Algorithms developed to predict the effect of sequence changes on RNA splicing suggest that this variant may create or strengthen a splice site. In summary, the available evidence is currently insufficient to determine the role of this variant in disease. Therefore, it has been classified as a Variant of Uncertain Significance.